The following is an entry in ClinVar:

NM_000388.4(CASR):c.2296C>A (p.His766Asn)

Gene: CASR (calcium sensing receptor; plus strand). Cytogenetic location: 3q21.1.
Variant type: single nucleotide variant.
Coding change: c.2296C>A on transcript NM_000388.4 (MANE Select); coding-DNA position 2296, C replaced by A.
Protein change: p.His766Asn; replaces histidine 766 with asparagine.
Molecular consequence: missense variant.
Genome position (GRCh38, 1-based): chr3:122,284,250, C>A. VCF-style: chr3-122284250-C-A. GRCh37 (hg19) VCF-style: chr3-122003097-C-A.
Other names: c.2326C>A, p.His776Asn (NM_001178065.2); short protein forms H766N, H776N.
Identifiers: ClinVar variation 1400036 (VCV001400036.11), dbSNP rs776652154, ClinGen allele CA354159378.

ClinVar aggregate classification (germline): Uncertain significance. Review status: criteria provided, multiple submitters, no conflicts (2 of 4 stars). 3 submissions from 3 submitters: Uncertain significance (3). Last evaluated 2025-04-11.

Conditions:
Nephrolithiasis/nephrocalcinosis. Identifiers: MedGen CN580796.
Familial hypocalciuric hypercalcemia (FHH). Also called: Familial benign hypercalcemia. Identifiers: Orphanet 405, MedGen C1809471, MONDO:0018458.
Autosomal dominant hypocalcemia 1 (HYPOC1). Also called: HYPOCALCEMIA, FAMILIAL. Identifiers: MedGen C3715128, MONDO:0011013, OMIM 601198.

Allele frequency attached by ClinVar (database versions not stated): TOPMed 0.00001.

Submissions (3):

Labcorp Genetics (formerly Invitae), Labcorp
Classification: Uncertain significance for Familial hypocalciuric hypercalcemia; Autosomal dominant hypocalcemia 1. Last evaluated: 2025-04-11. Review status: criteria provided, single submitter. Criteria: Invitae Variant Classification Sherloc (09022015). Collection method: clinical testing. Allele origin: germline.
Comment: This sequence change replaces histidine, which is basic and polar, with asparagine, which is neutral and polar, at codon 766 of the CASR protein (p.His766Asn). This variant is not present in population databases (gnomAD no frequency). This variant has not been reported in the literature in individuals affected with CASR-related conditions. ClinVar contains an entry for this variant (Variation ID: 1400036). An algorithm developed to predict the effect of missense changes on protein structure and function (PolyPhen-2) suggests that this variant is likely to be tolerated. In summary, the available evidence is currently insufficient to determine the role of this variant in disease. Therefore, it has been classified as a Variant of Uncertain Significance.

Athena Diagnostics
Classification: Uncertain significance. Last evaluated: 2025-01-09. Review status: criteria provided, single submitter. Criteria: Athena Diagnostics Criteria. Collection method: clinical testing. Allele origin: unknown.
Comment: Available data are insufficient to determine the clinical significance of the variant at this time. This variant has not been reported in large, multi-ethnic general populations. Polyphen and MutationTaster predict this amino acid change may be benign.

Ambry Genetics
Classification: Uncertain significance for Nephrolithiasis/nephrocalcinosis. Last evaluated: 2022-06-28. Review status: criteria provided, single submitter. Criteria: Ambry Variant Classification Scheme 2023. Collection method: clinical testing. Allele origin: germline.
Comment: The p.H766N variant (also known as c.2296C>A), located in coding exon 6 of the CASR gene, results from a C to A substitution at nucleotide position 2296. The histidine at codon 766 is replaced by asparagine, an amino acid with similar properties. This amino acid position is conserved. In addition, this alteration is predicted to be tolerated by in silico analysis. Since supporting evidence is limited at this time, the clinical significance of this alteration remains unclear.